The following is an entry in ClinVar:

ClinVar aggregate classification (germline): Uncertain significance (1 of 4 stars; one submission).

Submission:

Labcorp Genetics (formerly Invitae), Labcorp
Classification: Uncertain significance. Last evaluated: 2025-04-10. Review status: criteria provided, single submitter. Criteria: Invitae Variant Classification Sherloc (09022015). Collection method: clinical testing. Allele origin: germline.
Comment: This sequence change replaces glycine, which is neutral and non-polar, with serine, which is neutral and polar, at codon 382 of the CLCN7 protein (p.Gly382Ser). This variant is not present in population databases (gnomAD no frequency). This variant has not been reported in the literature in individuals affected with CLCN7-related conditions. ClinVar contains an entry for this variant (Variation ID: 1513556). Invitae Evidence Modeling of protein sequence and biophysical properties (such as structural, functional, and spatial information, amino acid conservation, physicochemical variation, residue mobility, and thermodynamic stability) indicates that this missense variant is expected to disrupt CLCN7 protein function with a positive predictive value of 95%. In summary, the available evidence is currently insufficient to determine the role of this variant in disease. Therefore, it has been classified as a Variant of Uncertain Significance.

NM_001287.6(CLCN7):c.1144G>A (p.Gly382Ser)

Gene: CLCN7 (chloride voltage-gated channel 7; minus strand). Cytogenetic location: 16p13.3.
Variant type: single nucleotide variant.
Coding change: c.1144G>A on transcript NM_001287.6 (MANE Select); coding-DNA position 1144, G replaced by A.
Protein change: p.Gly382Ser; replaces glycine 382 with serine.
Molecular consequence: missense variant.
Genome position (GRCh38, 1-based): chr16:1,454,420, C>T on the plus strand (G>A on the coding strand, the complement: CLCN7 is on the minus strand). VCF-style: chr16-1454420-C-T. GRCh37 (hg19) VCF-style: chr16-1504421-C-T.
Other names: c.1072G>A, p.Gly358Ser (NM_001114331.3); short protein forms G358S, G382S.
Identifiers: ClinVar variation 1513556 (VCV001513556.8), dbSNP rs2142377186, ClinGen allele CA394189549.
Genomic context (GRCh38, chr16:1,454,420, plus strand): 5'-AGCTGAGCCAGGCCCGCAGGCCGTCCCTGCGGTGCTGGGAGAAGCCCTTACCCACCACGC[C>T]CATGGCGATGAAGACCGGGATCTCGTGGATCGTGTAGGCCATTTTCTGTGCAGAGAGAGG-3'
Protein context (NP_001278.1, residues 372-392): IHEIPVFIAM[Gly382Ser]VVGGVLGAVF